The following is an entry in ClinVar:

NM_024642.5(GALNT12):c.1541A>T (p.Asp514Val)

Gene: GALNT12 (polypeptide N-acetylgalactosaminyltransferase 12; plus strand). Cytogenetic location: 9q22.33.
Variant type: single nucleotide variant.
Coding change: c.1541A>T on transcript NM_024642.5 (MANE Select); coding-DNA position 1541, A replaced by T.
Protein change: p.Asp514Val; replaces aspartic acid 514 with valine.
Molecular consequence: missense variant.
Genome position (GRCh38, 1-based): chr9:98,846,059, A>T. VCF-style: chr9-98846059-A-T. GRCh37 (hg19) VCF-style: chr9-101608341-A-T.
Other names: c.1541A>T (NM_024642.4); short protein forms D514V.
Identifiers: ClinVar variation 1042693 (VCV001042693.12), dbSNP rs1836406676, ClinGen allele CA374221769.

ClinVar aggregate classification (germline): Uncertain significance. Review status: criteria provided, multiple submitters, no conflicts (2 of 4 stars). 4 submissions from 4 submitters: Uncertain significance (4). Last evaluated 2025-02-08.

Conditions:
Colorectal cancer, susceptibility to, 1. Also called: COLORECTAL ADENOMA AND CANCER, SUSCEPTIBILITY TO; COLORECTAL CANCER, SUSCEPTIBILITY TO, ON CHROMOSOME 9. Identifiers: MedGen C1837315, MONDO:0012132, OMIM 608812.

Allele frequency attached by ClinVar (database versions not stated): gnomAD exomes below 0.00001.
gnomAD v4.1: 3 of 1,614,178 alleles (0.00019%); highest among the groups gnomAD compares: Non-Finnish European, 0.00025%; no homozygotes.

Submissions (4):

Ambry Genetics
Classification: Uncertain significance. Last evaluated: 2025-02-08. Review status: criteria provided, single submitter. Criteria: Ambry Variant Classification Scheme 2023. Collection method: clinical testing. Allele origin: germline.
Comment: The p.D514V variant (also known as c.1541A>T), located in coding exon 9 of the GALNT12 gene, results from an A to T substitution at nucleotide position 1541. The aspartic acid at codon 514 is replaced by valine, an amino acid with highly dissimilar properties. This amino acid position is conserved. In addition, this alteration is predicted to be tolerated by in silico analysis. Based on the available evidence, the clinical significance of this variant remains unclear.

Baylor Genetics
Classification: Uncertain significance for Colorectal cancer, susceptibility to, 1. Last evaluated: 2023-09-05. Review status: criteria provided, single submitter. Criteria: ACMG Guidelines, 2015. Collection method: clinical testing. Allele origin: unknown.

Labcorp Genetics (formerly Invitae), Labcorp
Classification: Uncertain significance. Last evaluated: 2022-10-13. Review status: criteria provided, single submitter. Criteria: Invitae Variant Classification Sherloc (09022015). Collection method: clinical testing. Allele origin: germline.
Comment: This variant has not been reported in the literature in individuals affected with GALNT12-related conditions. This variant is not present in population databases (gnomAD no frequency). This sequence change replaces aspartic acid, which is acidic and polar, with valine, which is neutral and non-polar, at codon 514 of the GALNT12 protein (p.Asp514Val). In summary, the available evidence is currently insufficient to determine the role of this variant in disease. Therefore, it has been classified as a Variant of Uncertain Significance. Advanced modeling of protein sequence and biophysical properties (such as structural, functional, and spatial information, amino acid conservation, physicochemical variation, residue mobility, and thermodynamic stability) performed at Invitae indicates that this missense variant is not expected to disrupt GALNT12 protein function. ClinVar contains an entry for this variant (Variation ID: 1042693).

Department of Pathology and Laboratory Medicine, Sinai Health System
Classification: Uncertain significance for Colorectal cancer, susceptibility to, 1. Last evaluated: 2022-09-15. Review status: criteria provided, single submitter. Criteria: ACMG Guidelines, 2015. Collection method: clinical testing. Allele origin: germline. Affected: yes.